The following is an entry in ClinVar:

NM_018026.4(PACS1):c.401T>C (p.Met134Thr)

Gene: PACS1 (phosphofurin acidic cluster sorting protein 1; plus strand). Cytogenetic location: 11q13.2.
Variant type: single nucleotide variant.
Coding change: c.401T>C on transcript NM_018026.4 (MANE Select); coding-DNA position 401, T replaced by C.
Protein change: p.Met134Thr; replaces methionine 134 with threonine.
Molecular consequence: missense variant.
Genome position (GRCh38, 1-based): chr11:66,193,530, T>C. VCF-style: chr11-66193530-T-C. GRCh37 (hg19) VCF-style: chr11-65961001-T-C.
Other names: short protein forms M134T.
Identifiers: ClinVar variation 1205017 (VCV001205017.12), dbSNP rs765325642, ClinGen allele CA223456696.
Genomic context (GRCh38, chr11:66,193,530, plus strand): 5'-TTCTCTGTTTTTCTAGGCTATTCAGCTTGACCCTGAAGAAACTCGTCATGCTAAAAGAAA[T>C]GGACAAAGATCTTAACTCAGTGGTCATCGCTGTGAAGCTGCAGGTGAGTGGGGCAGGACT-3'
Protein context (NP_060496.2, residues 124-144): TLKKLVMLKE[Met134Thr]DKDLNSVVIA

ClinVar aggregate classification (germline): Conflicting classifications of pathogenicity. Review status: criteria provided, conflicting classifications (1 of 4 stars). 5 submissions from 5 submitters: Uncertain significance (2); Likely benign (3). Last evaluated 2026-01-04.

Conditions:
PACS1-related disorder. Also called: PACS1-related condition.
Schuurs-Hoeijmakers syndrome. Also called: PACS1-Related Neurodevelopmental Disorder. Identifiers: Orphanet 329224, MedGen C3554343, MONDO:0014006, OMIM 615009.
Intellectual disability. Also called: Intellectual functioning disability; Intellectual developmental disorder; intellectual disabilities. Identifiers: MedGen C3714756, MeSH D008607, MONDO:0001071, HP:0001249.

Allele frequency attached by ClinVar (database versions not stated): gnomAD exomes 0.00001; TOPMed 0.00003.

Submissions (5):

Labcorp Genetics (formerly Invitae), Labcorp
Classification: Likely benign for Schuurs-Hoeijmakers syndrome. Last evaluated: 2026-01-04. Review status: criteria provided, single submitter. Criteria: Invitae Variant Classification Sherloc (09022015). Collection method: clinical testing. Allele origin: germline.

PreventionGenetics, part of Exact Sciences
Classification: Uncertain significance for PACS1-related condition. Last evaluated: 2025-02-05. Review status: criteria provided, single submitter. Criteria: ACMG Guidelines, 2015. Collection method: clinical testing. Allele origin: germline.
Comment: The PACS1 c.401T>C variant is predicted to result in the amino acid substitution p.Met134Thr. To our knowledge, this variant has not been reported in the literature. This variant is present in 0.0026% of alleles in individuals of European (Non-Finnish) descent in gnomAD. At this time, the clinical significance of this variant is uncertain due to the absence of conclusive functional and genetic evidence.

Blueprint Genetics
Classification: Likely benign. Last evaluated: 2024-05-03. Review status: criteria provided, single submitter. Criteria: ACMG Guidelines, 2015. Collection method: clinical testing. Allele origin: germline.

GeneDx
Classification: Likely benign. Last evaluated: 2021-06-22. Review status: criteria provided, single submitter. Criteria: GeneDx Variant Classification Process June 2021. Collection method: clinical testing. Allele origin: germline. Affected: yes.
Comment: Has not been previously published as pathogenic or benign to our knowledge; In silico analysis, which includes protein predictors and evolutionary conservation, supports a deleterious effect

Cambridge Genomics Laboratory, East Genomic Laboratory Hub, NHS Genomic Medicine Service
Classification: Uncertain significance for Intellectual disability. Last evaluated: 2019-12-03. Review status: criteria provided, single submitter. Criteria: ACGS Best Practice Guidelines for Variant Classification in Rare Disease 2020. Collection method: clinical testing. Allele origin: germline. Affected: yes. Observed: 1 variant allele.